The following is an entry in ClinVar:

NM_001089.3(ABCA3):c.4052G>A (p.Arg1351Gln)

Gene: ABCA3 (ATP binding cassette subfamily A member 3; minus strand). Cytogenetic location: 16p13.3.
Variant type: single nucleotide variant.
Coding change: c.4052G>A on transcript NM_001089.3 (MANE Select); coding-DNA position 4052, G replaced by A.
Protein change: p.Arg1351Gln; replaces arginine 1351 with glutamine.
Molecular consequence: missense variant.
Genome position (GRCh38, 1-based): chr16:2,281,493, C>T on the plus strand (G>A on the coding strand, the complement: ABCA3 is on the minus strand). VCF-style: chr16-2281493-C-T. GRCh37 (hg19) VCF-style: chr16-2331494-C-T.
Other names: short protein forms R1351Q.
Identifiers: ClinVar variation 1737380 (VCV001737380.2), dbSNP rs768922296, ClinGen allele CA7840263.
Genomic context (GRCh38, chr16:2,281,493, plus strand): 5'-GGGGCCAGGATGCGGGTCCTCTCGTCCGCTACATCTTGGTCCTCAGGAAGCACAGGCATC[C>T]GGGTGTATAATTCTGTCTGATTGACCAGGACAAAGACCGCATGCGTGAACCCAGCCGCAG-3'
Protein context (NP_001080.2, residues 1341-1361): RRRTLTELYT[Arg1351Gln]MPVLPEDQDV

ClinVar aggregate classification (germline): Uncertain significance (1 of 4 stars; one submission).

Conditions:
Hereditary pulmonary alveolar proteinosis. Also called: Pulmonary surfactant metabolism dysfunction. Identifiers: Orphanet 264675, MedGen C3711368, MONDO:0012580.

Allele frequency attached by ClinVar (database versions not stated): gnomAD exomes 0.00001; ExAC 0.00002; gnomAD 0.00003; TOPMed 0.00006.
gnomAD v4.1: 21 of 1,474,486 alleles (0.0014%); highest among the groups gnomAD compares: African/African-American, 0.0058%; no homozygotes.

Submission:

Ambry Genetics
Classification: Uncertain significance for Hereditary pulmonary alveolar proteinosis. Last evaluated: 2019-07-23. Review status: criteria provided, single submitter. Criteria: Ambry Variant Classification Scheme 2023. Collection method: clinical testing. Allele origin: germline.
Comment: The p.R1351Q variant (also known as c.4052G>A), located in coding exon 24 of the ABCA3 gene, results from a G to A substitution at nucleotide position 4052. The arginine at codon 1351 is replaced by glutamine, an amino acid with highly similar properties. This amino acid position is not well conserved in available vertebrate species, and glutamine is the reference amino acid in other vertebrate species. In addition, this alteration is predicted to be tolerated by in silico analysis. Since supporting evidence is limited at this time, the clinical significance of this alteration remains unclear.